The following is an entry in ClinVar:

ClinVar aggregate classification (germline): Uncertain significance (1 of 4 stars; one submission).

Allele frequency attached by ClinVar (database versions not stated): gnomAD exomes below 0.00001; ExAC 0.00001.
gnomAD v4.1: 1 of 1,614,008 alleles (0.000062%); highest among the groups gnomAD compares: Non-Finnish European, 0.000085%; no homozygotes.

Submission:

Labcorp Genetics (formerly Invitae), Labcorp
Classification: Uncertain significance. Last evaluated: 2021-12-30. Review status: criteria provided, single submitter. Criteria: Invitae Variant Classification Sherloc (09022015). Collection method: clinical testing. Allele origin: germline.
Comment: In summary, the available evidence is currently insufficient to determine the role of this variant in disease. Therefore, it has been classified as a Variant of Uncertain Significance. Advanced modeling of protein sequence and biophysical properties (such as structural, functional, and spatial information, amino acid conservation, physicochemical variation, residue mobility, and thermodynamic stability) performed at Invitae indicates that this missense variant is not expected to disrupt LRP5 protein function. This variant has not been reported in the literature in individuals affected with LRP5-related conditions. This variant is present in population databases (no rsID available, gnomAD 0.0009%). This sequence change replaces phenylalanine, which is neutral and non-polar, with tyrosine, which is neutral and polar, at codon 1422 of the LRP5 protein (p.Phe1422Tyr).

NM_002335.4(LRP5):c.4265T>A (p.Phe1422Tyr)

Gene: LRP5 (LDL receptor related protein 5; plus strand). Cytogenetic location: 11q13.2.
Variant type: single nucleotide variant.
Coding change: c.4265T>A on transcript NM_002335.4 (MANE Select); coding-DNA position 4265, T replaced by A.
Protein change: p.Phe1422Tyr; replaces phenylalanine 1422 with tyrosine.
Molecular consequence: missense variant.
Genome position (GRCh38, 1-based): chr11:68,438,599, T>A. VCF-style: chr11-68438599-T-A. GRCh37 (hg19) VCF-style: chr11-68206067-T-A.
Other names: c.2522T>A, p.Phe841Tyr (NM_001291902.2); short protein forms F1422Y, F841Y.
Identifiers: ClinVar variation 2049248 (VCV002049248.4), dbSNP rs1554978220, ClinGen allele CA6150297.